The following is an entry in ClinVar:

NM_006389.5(HYOU1):c.507C>G (p.Ile169Met)

Gene: HYOU1 (hypoxia up-regulated 1; minus strand). Cytogenetic location: 11q23.3.
Variant type: single nucleotide variant.
Coding change: c.507C>G on transcript NM_006389.5 (MANE Select); coding-DNA position 507, C replaced by G.
Protein change: p.Ile169Met; replaces isoleucine 169 with methionine.
Molecular consequence: missense variant.
Genome position (GRCh38, 1-based): chr11:119,054,665, G>C on the plus strand (C>G on the coding strand, the complement: HYOU1 is on the minus strand). VCF-style: chr11-119054665-G-C. GRCh37 (hg19) VCF-style: chr11-118925377-G-C.
Other names: c.507C>G, p.Ile169Met (NM_001130991.3, NM_001411041.1); short protein forms I169M.
Identifiers: ClinVar variation 2960419 (VCV002960419.3), dbSNP rs782767234, ClinGen allele CA229648153.

ClinVar aggregate classification (germline): Uncertain significance (1 of 4 stars; one submission).

Allele frequency attached by ClinVar (database versions not stated): TOPMed below 0.00001.
gnomAD v4.1: 23 of 1,612,188 alleles (0.0014%); highest among the groups gnomAD compares: Non-Finnish European, 0.0018%; no homozygotes.

Submission:

Labcorp Genetics (formerly Invitae), Labcorp
Classification: Uncertain significance. Last evaluated: 2023-05-16. Review status: criteria provided, single submitter. Criteria: Invitae Variant Classification Sherloc (09022015). Collection method: clinical testing. Allele origin: germline.
Comment: In summary, the available evidence is currently insufficient to determine the role of this variant in disease. Therefore, it has been classified as a Variant of Uncertain Significance. An algorithm developed to predict the effect of missense changes on protein structure and function (PolyPhen-2) suggests that this variant is likely to be disruptive. This variant has not been reported in the literature in individuals affected with HYOU1-related conditions. This variant is present in population databases (rs782767234, gnomAD 0.003%). This sequence change replaces isoleucine, which is neutral and non-polar, with methionine, which is neutral and non-polar, at codon 169 of the HYOU1 protein (p.Ile169Met).